The following is an entry in ClinVar:

NM_152393.4(KLHL40):c.768G>C (p.Met256Ile)

Gene: KLHL40 (kelch like family member 40; plus strand). Cytogenetic location: 3p22.1.
Variant type: single nucleotide variant.
Coding change: c.768G>C on transcript NM_152393.4 (MANE Select); coding-DNA position 768, G replaced by C.
Protein change: p.Met256Ile; replaces methionine 256 with isoleucine.
Molecular consequence: missense variant.
Genome position (GRCh38, 1-based): chr3:42,686,386, G>C. VCF-style: chr3-42686386-G-C. GRCh37 (hg19) VCF-style: chr3-42727878-G-C.
Other names: short protein forms M256I.
Identifiers: ClinVar variation 2072128 (VCV002072128.1), dbSNP rs1193539989, ClinGen allele CA352290867.

ClinVar aggregate classification (germline): Uncertain significance (1 of 4 stars; one submission).

Conditions:
Nemaline myopathy 8 (NEM8). Also called: Nemaline myopathy 8, autosomal recessive. Identifiers: Orphanet 171430, MedGen C3809209, MONDO:0014138, OMIM 615348.

Allele frequency attached by ClinVar (database versions not stated): gnomAD 0.00001; TOPMed 0.00002.
gnomAD v4.1: 19 of 1,613,412 alleles (0.0012%); highest among the groups gnomAD compares: Non-Finnish European, 0.0015%; no homozygotes.

Submission:

Labcorp Genetics (formerly Invitae), Labcorp
Classification: Uncertain significance for Nemaline myopathy 8. Last evaluated: 2022-02-22. Review status: criteria provided, single submitter. Criteria: Invitae Variant Classification Sherloc (09022015). Collection method: clinical testing. Allele origin: germline.
Comment: This sequence change replaces methionine, which is neutral and non-polar, with isoleucine, which is neutral and non-polar, at codon 256 of the KLHL40 protein (p.Met256Ile). This variant is present in population databases (no rsID available, gnomAD 0.003%). This variant has not been reported in the literature in individuals affected with KLHL40-related conditions. Algorithms developed to predict the effect of missense changes on protein structure and function are either unavailable or do not agree on the potential impact of this missense change (SIFT: "Deleterious"; PolyPhen-2: "Benign"; Align-GVGD: "Class C0"). In summary, the available evidence is currently insufficient to determine the role of this variant in disease. Therefore, it has been classified as a Variant of Uncertain Significance.